The following is an entry in ClinVar:

NM_005633.4(SOS1):c.1285A>G (p.Ile429Val)

Gene: SOS1 (SOS Ras/Rac guanine nucleotide exchange factor 1; minus strand). Cytogenetic location: 2p22.1.
Variant type: single nucleotide variant.
Coding change: c.1285A>G on transcript NM_005633.4 (MANE Select); coding-DNA position 1285, A replaced by G.
Protein change: p.Ile429Val; replaces isoleucine 429 with valine.
Molecular consequence: missense variant.
Genome position (GRCh38, 1-based): chr2:39,023,143, T>C on the plus strand (A>G on the coding strand, the complement: SOS1 is on the minus strand). VCF-style: chr2-39023143-T-C. GRCh37 (hg19) VCF-style: chr2-39250284-T-C.
Other names: c.1264A>G, p.Ile422Val (NM_001382394.1); c.1285A>G, p.Ile429Val (NM_001382395.1); short protein forms I422V, I429V.
Identifiers: ClinVar variation 1315532 (VCV001315532.9), dbSNP rs2124537717, ClinGen allele CA346366521.
Genomic context (GRCh38, chr2:39,023,143, plus strand): 5'-TTCCTTCCATTATAAATTCATTACAACACTGTCCAATGTCTTTTCCCTCCCAACCATCAA[T>C]ATTCTTCTGAATCTCGTTCATCTTCTTGATTGCTAGTTGTTTCCCCTTCATTTGCTGACT-3'
Protein context (NP_005624.2, residues 419-439): IKKMNEIQKN[Ile429Val]DGWEGKDIGQ

ClinVar aggregate classification (germline): Conflicting classifications of pathogenicity. Review status: criteria provided, conflicting classifications (1 of 4 stars). 2 submissions from 2 submitters: Likely pathogenic (1); Uncertain significance (1). Last evaluated 2026-02-05.

Conditions:
RASopathy. Also called: rasopathies; Noonan spectrum disorder. Identifiers: Orphanet 536391, MedGen C5555857, MONDO:0021060.

Allele frequency attached by ClinVar (database versions not stated): gnomAD exomes below 0.00001.
gnomAD v4.1: 1 of 1,613,234 alleles (0.000062%); highest among the groups gnomAD compares: African/African-American, 0.0013%; no homozygotes.

Submissions (2):

GeneDx
Classification: Likely pathogenic. Last evaluated: 2026-02-05. Review status: criteria provided, single submitter. Criteria: GeneDx Variant Classification Process June 2021. Collection method: clinical testing. Allele origin: germline. Affected: yes.
Comment: Missense variants in this gene are a common cause of disease and they are underrepresented in the general population; In silico analysis suggests that this missense variant does not alter protein structure/function; Not observed at significant frequency in large population cohorts (gnomAD); Has not been previously published as pathogenic or benign to our knowledge; This variant is associated with the following publications: (PMID: 17143282, 21387466, 12628188, 20648242, 29493581)

Labcorp Genetics (formerly Invitae), Labcorp
Classification: Uncertain significance for RASopathy. Last evaluated: 2023-08-25. Review status: criteria provided, single submitter. Criteria: Invitae Variant Classification Sherloc (09022015). Collection method: clinical testing. Allele origin: germline.
Comment: In summary, the available evidence is currently insufficient to determine the role of this variant in disease. Therefore, it has been classified as a Variant of Uncertain Significance. Advanced modeling of protein sequence and biophysical properties (such as structural, functional, and spatial information, amino acid conservation, physicochemical variation, residue mobility, and thermodynamic stability) has been performed at Invitae for this missense variant, however the output from this modeling did not meet the statistical confidence thresholds required to predict the impact of this variant on SOS1 protein function. This sequence change replaces isoleucine, which is neutral and non-polar, with valine, which is neutral and non-polar, at codon 429 of the SOS1 protein (p.Ile429Val). ClinVar contains an entry for this variant (Variation ID: 1315532). This variant has not been reported in the literature in individuals affected with SOS1-related conditions. This variant is not present in population databases (gnomAD no frequency).